The following is an entry in ClinVar:

NM_001277115.2(DNAH11):c.8412G>A (p.Trp2804Ter)

Gene: DNAH11 (dynein axonemal heavy chain 11; plus strand). Cytogenetic location: 7p15.3.
Variant type: single nucleotide variant.
Coding change: c.8412G>A on transcript NM_001277115.2 (MANE Select); coding-DNA position 8412, G replaced by A.
Protein change: p.Trp2804Ter; replaces tryptophan 2804 with a stop codon.
Molecular consequence: nonsense.
Genome position (GRCh38, 1-based): chr7:21,744,965, G>A. VCF-style: chr7-21744965-G-A. GRCh37 (hg19) VCF-style: chr7-21784583-G-A.
Other names: c.8433G>A, p.Trp2811Ter (NM_003777.3); short protein forms W2811*, W2804*.
Identifiers: ClinVar variation 2801151 (VCV002801151.3), dbSNP rs1167519702, ClinGen allele CA366954114.

ClinVar aggregate classification (germline): Pathogenic (1 of 4 stars; one submission).

Conditions:
Primary ciliary dyskinesia. Also called: Ciliary dyskinesia. Identifiers: Orphanet 244, MedGen C0008780, MONDO:0016575, HP:0012265.

Allele frequency attached by ClinVar (database versions not stated): gnomAD exomes below 0.00001; TOPMed 0.00001.
gnomAD v4.1: 2 of 1,610,494 alleles (0.00012%); highest among the groups gnomAD compares: East Asian, 0.0045%; no homozygotes.

Submission:

Labcorp Genetics (formerly Invitae), Labcorp
Classification: Pathogenic for Primary ciliary dyskinesia. Last evaluated: 2025-03-12. Review status: criteria provided, single submitter. Criteria: Invitae Variant Classification Sherloc (09022015). Collection method: clinical testing. Allele origin: germline.
Comment: This sequence change creates a premature translational stop signal (p.Trp2804*) in the DNAH11 gene. It is expected to result in an absent or disrupted protein product. Loss-of-function variants in DNAH11 are known to be pathogenic (PMID: 18022865, 20513915, 22184204). This variant is present in population databases (no rsID available, gnomAD 0.0009%). This variant has not been reported in the literature in individuals affected with DNAH11-related conditions. ClinVar contains an entry for this variant (Variation ID: 2801151). For these reasons, this variant has been classified as Pathogenic.

Literature cited by the submitters: PubMed 18022865; PubMed 20513915; PubMed 22184204.